The following is an entry in ClinVar:

ClinVar aggregate classification (germline): Uncertain significance. Review status: criteria provided, multiple submitters, no conflicts (2 of 4 stars). 3 submissions from 3 submitters: Uncertain significance (2). 1 of the submissions does not count toward it. Last evaluated 2022-06-10.

Conditions:
Retinitis pigmentosa 71 (RP71). Identifiers: Orphanet 791, MedGen C4225342, MONDO:0014618, OMIM 616394.
Short-rib thoracic dysplasia 10 with or without polydactyly (SRTD10). Identifiers: Orphanet 474, MedGen C3810175, MONDO:0014284, OMIM 615630.
Bardet-Biedl syndrome 20. Identifiers: MedGen C4310707, MONDO:0023670, OMIM 619471, MONDO:0014926.
IFT172-related disorder. Also called: IFT172-related disorders; IFT172-related condition.

Allele frequency attached by ClinVar (database versions not stated): gnomAD 0.00001; ExAC 0.00002; gnomAD exomes 0.00002 and 0.00005.
gnomAD v4.1: 27 of 1,614,060 alleles (0.0017%); highest among the groups gnomAD compares: Middle Eastern, 0.016%; no homozygotes.

Submissions (3):

New York Genome Center
Classification: Uncertain significance for Retinitis pigmentosa 71; Short-rib thoracic dysplasia 10 with or without polydactyly; Bardet-Biedl syndrome 20. Last evaluated: 2022-06-10. Review status: criteria provided, single submitter. Criteria: NYGC Assertion Criteria 2020. Collection method: clinical testing. Allele origin: germline. Observed: 1 heterozygote.

Labcorp Genetics (formerly Invitae), Labcorp
Classification: Uncertain significance for Retinitis pigmentosa 71; Short-rib thoracic dysplasia 10 with or without polydactyly. Last evaluated: 2022-05-06. Review status: criteria provided, single submitter. Criteria: Invitae Variant Classification Sherloc (09022015). Collection method: clinical testing. Allele origin: germline.
Comment: This sequence change replaces alanine, which is neutral and non-polar, with valine, which is neutral and non-polar, at codon 1311 of the IFT172 protein (p.Ala1311Val). This variant is present in population databases (rs760562906, gnomAD 0.06%). This variant has not been reported in the literature in individuals affected with IFT172-related conditions. Algorithms developed to predict the effect of missense changes on protein structure and function output the following: SIFT: "Tolerated"; PolyPhen-2: "Benign"; Align-GVGD: "Class C0". The valine amino acid residue is found in multiple mammalian species, which suggests that this missense change does not adversely affect protein function. In summary, the available evidence is currently insufficient to determine the role of this variant in disease. Therefore, it has been classified as a Variant of Uncertain Significance.

PreventionGenetics, part of Exact Sciences
Classification: Uncertain significance for IFT172-related condition. Last evaluated: 2024-06-17. Review status: no assertion criteria provided. Collection method: clinical testing. Allele origin: germline. Not counted in ClinVar's aggregate classification.
Comment: The IFT172 c.3932C>T variant is predicted to result in the amino acid substitution p.Ala1311Val. To our knowledge, this variant has not been reported in the literature. This variant is reported in 0.079% of alleles in individuals of Ashkenazi Jewish descent in gnomAD, which is likely too common for an undocumented disease-causing variant. Although we suspect that this variant may be benign, at this time, the clinical significance of this variant is uncertain due to the absence of conclusive functional and genetic evidence.

NM_015662.3(IFT172):c.3932C>T (p.Ala1311Val)

Genes: IFT172 (intraflagellar transport 172; minus strand), LOC126806173 (BRD4-independent group 4 enhancer GRCh37_chr2:27676057-27677256; plus strand). Cytogenetic location: 2p23.3.
Variant type: single nucleotide variant.
Coding change: c.3932C>T on transcript NM_015662.3 (MANE Select); coding-DNA position 3932, C replaced by T.
Protein change: p.Ala1311Val; replaces alanine 1311 with valine.
Molecular consequence: missense variant.
Genome position (GRCh38, 1-based): chr2:27,453,403, G>A on the plus strand (C>T on the coding strand, the complement: IFT172 is on the minus strand). VCF-style: chr2-27453403-G-A. GRCh37 (hg19) VCF-style: chr2-27676270-G-A.
Other names: c.3932C>T (NM_015662.2); short protein forms A1311V.
Identifiers: ClinVar variation 1428793 (VCV001428793.9), dbSNP rs760562906, ClinGen allele CA1579818.
Genomic context (GRCh38, chr2:27,453,403, plus strand): 5'-CCTAGGGAGAAGGAGGGCCAGAAAGGGCCTGCTGTCCTCACCTTCATCCAGCACTTCTCC[G>A]CCAGGCCGCTGTTTCCAGAGTCTCGCACTTTGAGGTAGCAGTCCACGGCACGGCTGTACT-3'
Protein context (NP_056477.1, residues 1301-1321): KVRDSGNSGL[Ala1311Val]EKCWMKAAEL